The following is an entry in ClinVar:

ClinVar aggregate classification (germline): Uncertain significance. Review status: criteria provided, multiple submitters, no conflicts (2 of 4 stars). 3 submissions from 3 submitters: Uncertain significance (3). Last evaluated 2022-12-26.

Conditions:
Hereditary cancer-predisposing syndrome. Also called: Hereditary Cancer Syndrome; Hereditary neoplastic syndrome; Tumor predisposition; Neoplastic Syndromes, Hereditary. Identifiers: Orphanet 140162, MedGen C0027672, MeSH D009386, MONDO:0015356.
Hereditary breast ovarian cancer syndrome. Also called: Hereditary breast and ovarian cancer syndrome; Hereditary breast and ovarian cancer syndrome (HBOC); BRCA1- and BRCA2-Associated Hereditary Breast and Ovarian Cancer; Breast and ovarian cancer; Hereditary breast and ovarian cancer; Hereditary breast and/or ovarian cancer syndrome. Identifiers: Orphanet 145, MedGen C0677776, MeSH D061325, MONDO:0003582. Disease mechanism: loss of function.

Allele frequency attached by ClinVar (database versions not stated): TOPMed below 0.00001.

Submissions (4):

Labcorp Genetics (formerly Invitae), Labcorp
Classification: Uncertain significance for Hereditary breast ovarian cancer syndrome. Last evaluated: 2022-12-26. Review status: criteria provided, single submitter. Criteria: Invitae Variant Classification Sherloc (09022015). Collection method: clinical testing. Allele origin: germline.
Comment: In summary, the available evidence is currently insufficient to determine the role of this variant in disease. Therefore, it has been classified as a Variant of Uncertain Significance. Algorithms developed to predict the effect of sequence changes on RNA splicing suggest that this variant may create or strengthen a splice site. Advanced modeling performed at Invitae incorporating data from internal and/or published experimental studies (PMID: 30209399) indicates that this missense variant is not expected to disrupt BRCA1 function. ClinVar contains an entry for this variant (Variation ID: 187707). This variant has not been reported in the literature in individuals affected with BRCA1-related conditions. This variant is not present in population databases (gnomAD no frequency). This sequence change replaces cysteine, which is neutral and slightly polar, with arginine, which is basic and polar, at codon 91 of the BRCA1 protein (p.Cys91Arg).

Women's Health and Genetics/Laboratory Corporation of America, LabCorp
Classification: Uncertain significance. Last evaluated: 2018-03-01. Review status: criteria provided, single submitter. Criteria: LabCorp Variant Classification Summary - May 2015. Collection method: clinical testing. Allele origin: germline.
Comment: Variant summary: BRCA1 c.271T>C (p.Cys91Arg) results in a non-conservative amino acid change in the encoded protein sequence. Two of four in-silico tools predict a benign effect of the variant on protein function. The variant was absent in 121322 control chromosomes (ExAC). The available data on variant occurrences in the general population are insufficient to allow any conclusion about variant significance. To our knowledge, no occurrence of c.271T>C in individuals affected with Hereditary Breast and Ovarian Cancer and no experimental evidence demonstrating its impact on protein function have been reported. One clinical diagnostic laboratory has submitted clinical-significance assessments for this variant to ClinVar after 2014 without evidence for independent evaluation, and classified the variant as uncertain significance. Based on the evidence outlined above, the variant was classified as uncertain significance.

Ambry Genetics
Classification: Uncertain significance for Hereditary cancer-predisposing syndrome. Last evaluated: 2014-12-26. Review status: criteria provided, single submitter. Criteria: Ambry Variant Classification Scheme 2023. Collection method: clinical testing. Allele origin: germline.
Comment: The p.C91R variant (also known as c.271T>C and 390T>C), located in coding exon 4 of the BRCA1 gene, results from a T to C substitution at nucleotide position 271. The cysteine at codon 91 is replaced by arginine, an amino acid with highly dissimilar properties. This variant was not reported in population based cohorts in the following databases: Database of Single Nucleotide Polymorphisms (dbSNP), NHLBI Exome Sequencing Project (ESP), and 1000 Genomes Project. In the ESP, this variant was not observed in 6,502 samples (13,004 alleles) with coverage at this position. To date, this alteration has been detected with an allele frequency of approximately 0.001% (greater than 105,000 alleles tested) in our clinical cohort. This amino acid position is poorly conserved in available vertebrate species. In addition, the in silico prediction for this alteration is inconclusive. Since supporting evidence is limited at this time, the clinical significance of p.C91R remains unclear.

Brotman Baty Institute, University of Washington
No classification provided (evidence only). Condition: Breast-ovarian cancer, familial 1. Review status: no classification provided. Collection method: in vitro. Allele origin: not applicable. Functional consequence: functionally_normal. Not counted in ClinVar's aggregate classification.
ClinVar note: "not provided" was previously submitted as the classification for the variant. However, the classification appeared to be based only on an observation of functional data so it was converted to no classification on 2025-07-30.

Literature cited by the submitters: PubMed 30209399 (cited by Labcorp Genetics (formerly Invitae), Labcorp).

NM_007294.4(BRCA1):c.271T>C (p.Cys91Arg)

Gene: BRCA1 (BRCA1 DNA repair associated; minus strand). Cytogenetic location: 17q21.31.
Variant type: single nucleotide variant.
Coding change: c.271T>C on transcript NM_007294.4 (MANE Select); coding-DNA position 271, T replaced by C.
Protein change: p.Cys91Arg; replaces cysteine 91 with arginine.
Molecular consequence: missense variant. On other transcripts: non-coding transcript variant (1).
Genome position (GRCh38, 1-based): chr17:43,104,898, A>G on the plus strand (T>C on the coding strand, the complement: BRCA1 is on the minus strand). VCF-style: chr17-43104898-A-G. GRCh37 (hg19) VCF-style: chr17-41256915-A-G.
Other names: c.61T>C, p.Cys21Arg (NM_001407571.1, NM_001407853.1, NM_001407879.1 and 58 more transcripts); c.271T>C, p.Cys91Arg (NM_001407581.1, NM_001407582.1, NM_001407583.1 and 168 more transcripts); c.193T>C, p.Cys65Arg (NM_001407653.1, NM_001407654.1, NM_001407655.1 and 21 more transcripts); c.130T>C, p.Cys44Arg (NM_001407692.1, NM_001407694.1, NM_001407695.1 and 99 more transcripts); c.-111T>C (NM_001407959.1, NM_001407960.1, NM_001407962.1 and 4 more transcripts); c.139T>C, p.Cys47Arg (NM_001408451.1); short protein forms C91R, C44R, C21R, C47R, C65R.
Identifiers: ClinVar variation 187707 (VCV000187707.17), dbSNP rs786203939, ClinGen allele CA001791.